The following is an entry in ClinVar:

ClinVar aggregate classification (germline): Uncertain significance (1 of 4 stars; one submission).

Allele frequency attached by ClinVar (database versions not stated): gnomAD exomes below 0.00001.
gnomAD v4.1: 1 of 1,564,618 alleles (0.000064%); highest among the groups gnomAD compares: Non-Finnish European, 0.000087%; no homozygotes.

Submission:

Labcorp Genetics (formerly Invitae), Labcorp
Classification: Uncertain significance. Last evaluated: 2022-11-24. Review status: criteria provided, single submitter. Criteria: Invitae Variant Classification Sherloc (09022015). Collection method: clinical testing. Allele origin: germline.
Comment: In summary, the available evidence is currently insufficient to determine the role of this variant in disease. Therefore, it has been classified as a Variant of Uncertain Significance. Algorithms developed to predict the effect of missense changes on protein structure and function are either unavailable or do not agree on the potential impact of this missense change (SIFT: "Tolerated"; PolyPhen-2: "Probably Damaging"; Align-GVGD: "Class C0"). This variant has not been reported in the literature in individuals affected with ALPK3-related conditions. This variant is not present in population databases (gnomAD no frequency). This sequence change replaces proline, which is neutral and non-polar, with serine, which is neutral and polar, at codon 1395 of the ALPK3 protein (p.Pro1395Ser).

NM_020778.5(ALPK3):c.3577C>T (p.Pro1193Ser)

Gene: ALPK3 (alpha kinase 3; plus strand). Cytogenetic location: 15q25.3.
Variant type: single nucleotide variant.
Coding change: c.3577C>T on transcript NM_020778.5 (MANE Select); coding-DNA position 3577, C replaced by T.
Protein change: p.Pro1193Ser; replaces proline 1193 with serine.
Molecular consequence: missense variant.
Genome position (GRCh38, 1-based): chr15:84,858,315, C>T. VCF-style: chr15-84858315-C-T. GRCh37 (hg19) VCF-style: chr15-85401546-C-T.
Other names: short protein forms P1193S.
Identifiers: ClinVar variation 2976217 (VCV002976217.3), dbSNP rs2505722308, ClinGen allele CA393360547.